The following is an entry in ClinVar:

ClinVar aggregate classification (germline): Uncertain significance. Review status: criteria provided, multiple submitters, no conflicts (2 of 4 stars). 2 submissions from 2 submitters: Uncertain significance (2). Last evaluated 2021-12-08.

Conditions:
Hereditary cancer-predisposing syndrome. Also called: Tumor predisposition; Neoplastic Syndromes, Hereditary; Hereditary Cancer Syndrome; Hereditary neoplastic syndrome. Identifiers: Orphanet 140162, MedGen C0027672, MeSH D009386, MONDO:0015356.
Cardiovascular phenotype. Identifiers: MedGen CN230736.
Neurofibromatosis, type 1 (NF1). Also called: Neurofibromatosis, type I; NEUROFIBROMATOSIS, TYPE I, SOMATIC; Peripheral type neurofibromatosis; VON RECKLINGHAUSEN DISEASE. Identifiers: Orphanet 636, MedGen C0027831, MONDO:0018975, OMIM 162200. Disease mechanism: loss of function.

Submissions (2):

Ambry Genetics
Classification: Uncertain significance for Cardiovascular phenotype; Hereditary cancer-predisposing syndrome. Last evaluated: 2021-12-08. Review status: criteria provided, single submitter. Criteria: Ambry Variant Classification Scheme 2023. Collection method: clinical testing. Allele origin: germline.
Comment: The p.M991T variant (also known as c.2972T>C), located in coding exon 22 of the NF1 gene, results from a T to C substitution at nucleotide position 2972. The methionine at codon 991 is replaced by threonine, an amino acid with similar properties. This amino acid position is highly conserved in available vertebrate species. In addition, the in silico prediction for this alteration is inconclusive. Since supporting evidence is limited at this time, the clinical significance of this alteration remains unclear.

Labcorp Genetics (formerly Invitae), Labcorp
Classification: Uncertain significance for Neurofibromatosis, type 1. Last evaluated: 2016-12-21. Review status: criteria provided, single submitter. Criteria: Invitae Variant Classification Sherloc (09022015). Collection method: clinical testing. Allele origin: germline.
Comment: This sequence change replaces methionine with threonine at codon 991 of the NF1 protein (p.Met991Thr). The methionine residue is moderately conserved and there is a moderate physicochemical difference between methionine and threonine. This variant is not present in population databases (ExAC no frequency) and has not been reported in the literature in individuals with a NF1-related disease. Algorithms developed to predict the effect of missense changes on protein structure and function do not agree on the potential impact of this missense change (SIFT: "Deleterious"; PolyPhen-2: "Possibly Damaging"; Align-GVGD: "Class C0"). In summary, this variant is a novel missense change with uncertain impact on protein function. It has been classified as a Variant of Uncertain Significance.

NM_001042492.3(NF1):c.2972T>C (p.Met991Thr)

Gene: NF1 (neurofibromin 1; plus strand). Cytogenetic location: 17q11.2.
Variant type: single nucleotide variant.
Coding change: c.2972T>C on transcript NM_001042492.3 (MANE Select); coding-DNA position 2972, T replaced by C.
Protein change: p.Met991Thr; replaces methionine 991 with threonine.
Molecular consequence: missense variant.
Genome position (GRCh38, 1-based): chr17:31,229,956, T>C. VCF-style: chr17-31229956-T-C. GRCh37 (hg19) VCF-style: chr17-29556974-T-C.
Other names: c.2972T>C, p.Met991Thr (NM_000267.4); short protein forms M991T.
Identifiers: ClinVar variation 404493 (VCV000404493.7), dbSNP rs1060500298, ClinGen allele CA16615184.
Genomic context (GRCh38, chr17:31,229,956, plus strand): 5'-TGCTAGATAATCATACTGAAGGCAGCTCTGAACATCTAGGGCAAGCTAGCATTGAAACAA[T>C]GATGTTAAATCTGGTCAGGTAAGCATTCTACTGAAATGTAGCAGAAACATTTTAAGAGAT-3'
Protein context (NP_001035957.1, residues 981-1001): EHLGQASIET[Met991Thr]MLNLVRYVRV